The following is an entry in ClinVar:

NM_000284.4(PDHA1):c.930AAG[1] (p.Arg311del)

Gene: PDHA1 (pyruvate dehydrogenase E1 subunit alpha 1; plus strand). Cytogenetic location: Xp22.12.
Variant type: Microsatellite.
Coding change: c.930AAG[1] on transcript NM_000284.4 (MANE Select); one copy of the 3-base unit AAG starting at c.930; the reference has two copies in a row; one copy, 3 bases deleted; also written c.933_935del.
Protein change: p.Arg311del; deletes arginine 311.
Molecular consequence: inframe deletion.
Genome position (GRCh38, 1-based): chrX:19,358,949-19,358,951, AAG deleted; deleting any 3 consecutive bases within chrX:19,358,946-19,358,951 gives the same sequence; the position shown is the placement nearest the transcript's 3' end. VCF-style (leftmost placement, unchanged base first): chrX-19358945-TAAG-T. GRCh37 (hg19) VCF-style: chrX-19377063-TAAG-T.
Other names: c.933_935delAAG (NM_000284.4); c.933_935del (NM_000284.3); c.1044AAG[1], p.Arg349del (NM_001173454.2); c.951AAG[1], p.Arg318del (NM_001173455.2); c.837AAG[1], p.Arg280del (NM_001173456.2); short protein forms R311del, R280del, R318del, R349del.
Identifiers: ClinVar variation 488571 (VCV000488571.9), dbSNP rs1555935223, ClinGen allele CA658684283.

ClinVar aggregate classification (germline): Pathogenic. Review status: criteria provided, multiple submitters, no conflicts (2 of 4 stars). 4 submissions from 4 submitters: Pathogenic (3). 1 of the submissions does not count toward it. Last evaluated 2024-03-15.

Conditions:
Pyruvate dehydrogenase E1-alpha deficiency (PDHAD). Also called: ATAXIA, INTERMITTENT, WITH PYRUVATE DEHYDROGENASE DEFICIENCY; ATAXIA WITH LACTIC ACIDOSIS I; ATAXIA, INTERMITTENT, WITH ABNORMAL PYRUVATE METABOLISM; Ataxia, intermittent, with pyruvate dehydrogenase, or decarboxylase, deficiency. Identifiers: Orphanet 79243, MedGen C1839413, MONDO:0010717, OMIM 312170.
Pyruvate dehydrogenase complex deficiency (PDHC). Also called: Pyruvate Dehydrogenase Complex Deficiency Disease; PDH DEFICIENCY; Pyruvate dehydrogenase deficiency; Ataxia with lactic acidosis 1; PYRUVATE DECARBOXYLASE DEFICIENCY. Identifiers: Orphanet 765, Orphanet 79243, MedGen C0034345, MONDO:0019169.

Submissions (4):

Women's Health and Genetics/Laboratory Corporation of America, LabCorp
Classification: Pathogenic for Pyruvate dehydrogenase complex deficiency. Last evaluated: 2024-03-15. Review status: criteria provided, single submitter. Criteria: LabCorp Variant Classification Summary - May 2015. Collection method: clinical testing. Allele origin: germline.
Comment: Variant summary: PDHA1 c.933_935delAAG (p.Arg311del) results in an in-frame deletion that is predicted to remove one amino acid from the encoded protein. The variant was absent in 183449 control chromosomes. c.933_935delAAG has been reported in the literature in male and females affected with Pyruvate Dehydrogenase Deficiency, including a de novo occurrence of the variant (e.g. Shin_2018, Chun_1995, Ciara_2016). These data indicate that the variant may be associated with disease. At least two publications report experimental evidence evaluating an impact on protein function, showing significantly reduced enzyme activity (0-10% of controls) in cultured patient fibroblasts (e.g. Chun_1995, Shin_2018). The following publications have been ascertained in the context of this evaluation (PMID: 28918066, 7887409, 27144126). ClinVar contains an entry for this variant (Variation ID: 488571). Based on the evidence outlined above, the variant was classified as pathogenic.

Labcorp Genetics (formerly Invitae), Labcorp
Classification: Pathogenic for Pyruvate dehydrogenase E1-alpha deficiency. Last evaluated: 2023-07-17. Review status: criteria provided, single submitter. Criteria: Invitae Variant Classification Sherloc (09022015). Collection method: clinical testing. Allele origin: germline.
Comment: This variant, c.933_935del, results in the deletion of 1 amino acid(s) of the PDHA1 protein (p.Arg311del), but otherwise preserves the integrity of the reading frame. This variant is not present in population databases (gnomAD no frequency). This variant has been observed in individual(s) with pyruvate dehydrogenase lipoic acid synthetase deficiency (PMID: 7887409, 27144126). In at least one individual the variant was observed to be de novo. Algorithms developed to predict the effect of sequence changes on RNA splicing suggest that this variant may create or strengthen a splice site. For these reasons, this variant has been classified as Pathogenic.

Institute of Human Genetics Munich, TUM University Hospital
Classification: Pathogenic for Pyruvate dehydrogenase E1-alpha deficiency. Last evaluated: 2017-11-15. Review status: criteria provided, single submitter. Criteria: Classification criteria August 2017. Collection method: clinical testing. Allele origin: maternal. Inheritance: X-linked inheritance. Affected: yes. Observed: 1 hemizygote.

PDHA1 Study Group, University Children’s Hospital, Paracelsus Medical University
Classification: Pathogenic for Pyruvate dehydrogenase E1-alpha deficiency. Last evaluated: 2024-10-15. Review status: no assertion criteria provided. Collection method: research. Allele origin: de novo. Affected: yes. Observed: 5 variant alleles. Not counted in ClinVar's aggregate classification.
Comment: The NM_000284.3:c.933_935del (p.Arg311del) change is a deletion-insertion (delins) variant in PDHA1 gene. In total, 5 individuals are diagnosed with PDHA1-related Pyruvate dehydrogenase complex (PDHc) deficiency (MIM #312170). These include 2 males and 3 females. Among them, 1 case has confirmed de novo occurrence, and 1 is confirmed inherited. The variant has been reported in 3 published cases (PMIDs: 21914562, 35943828). Additional 2 unpublished cases from internal data are included. Last literature search: July 12, 2024. This variant is absent or extremely rare in population-based cohorts in the Genome Aggregation Database (gnomAD). Individuals harboring this variant present with clinical features compatible with PDHA1-related PDHc deficiency. In summary, this variant meets criteria to be classified as pathogenic (P) for PDHA1-related PDHc deficiency based on the ACMG/AMP criteria applied: PS3, PM1, PM2, PM4, PM7 (last assessment October 15, 2024).

Literature cited by the submitters: PubMed 27144126 (cited by Women's Health and Genetics/Laboratory Corporation of America, LabCorp and Labcorp Genetics (formerly Invitae), Labcorp); PubMed 28918066 (cited by Women's Health and Genetics/Laboratory Corporation of America, LabCorp); PubMed 7887409 (cited by Women's Health and Genetics/Laboratory Corporation of America, LabCorp and Labcorp Genetics (formerly Invitae), Labcorp); PubMed 21914562 (cited by PDHA1 Study Group, University Children’s Hospital, Paracelsus Medical University); PubMed 35943828 (cited by PDHA1 Study Group, University Children’s Hospital, Paracelsus Medical University); DOI 10.1093/brain/awaf430 (cited by PDHA1 Study Group, University Children’s Hospital, Paracelsus Medical University).